The following is an entry in ClinVar:

ClinVar aggregate classification (germline): Uncertain significance (1 of 4 stars; one submission).

Conditions:
Charcot-Marie-Tooth disease type 2. Also called: Charcot-Marie-Tooth type 2. Identifiers: Orphanet 64746, MedGen C0270914, MONDO:0018993.

Allele frequency attached by ClinVar (database versions not stated): gnomAD exomes below 0.00001.
gnomAD v4.1: 2 of 1,614,196 alleles (0.00012%); highest among the groups gnomAD compares: Non-Finnish European, 0.00017%; no homozygotes.

Submission:

Labcorp Genetics (formerly Invitae), Labcorp
Classification: Uncertain significance for Charcot-Marie-Tooth disease type 2. Last evaluated: 2019-11-11. Review status: criteria provided, single submitter. Criteria: Invitae Variant Classification Sherloc (09022015). Collection method: clinical testing. Allele origin: germline.
Comment: In summary, the available evidence is currently insufficient to determine the role of this variant in disease. Therefore, it has been classified as a Variant of Uncertain Significance. Algorithms developed to predict the effect of missense changes on protein structure and function are either unavailable or do not agree on the potential impact of this missense change (SIFT: "Tolerated"; PolyPhen-2: "Possibly Damaging"; Align-GVGD: "Class C0"). This variant has not been reported in the literature in individuals with AARS-related conditions. This variant is not present in population databases (ExAC no frequency). This sequence change replaces alanine with proline at codon 70 of the AARS protein (p.Ala70Pro). The alanine residue is moderately conserved and there is a small physicochemical difference between alanine and proline.

NM_001605.3(AARS1):c.208G>C (p.Ala70Pro)

Gene: AARS1 (alanyl-tRNA synthetase 1; minus strand). Cytogenetic location: 16q22.1.
Variant type: single nucleotide variant.
Coding change: c.208G>C on transcript NM_001605.3 (MANE Select); coding-DNA position 208, G replaced by C.
Protein change: p.Ala70Pro; replaces alanine 70 with proline.
Molecular consequence: missense variant.
Genome position (GRCh38, 1-based): chr16:70,277,091, C>G on the plus strand (G>C on the coding strand, the complement: AARS1 is on the minus strand). VCF-style: chr16-70277091-C-G. GRCh37 (hg19) VCF-style: chr16-70310994-C-G.
Other names: short protein forms A70P.
Identifiers: ClinVar variation 967205 (VCV000967205.9), dbSNP rs1960569577, ClinGen allele CA396569722.